The following is an entry in ClinVar:

NM_001110556.2(FLNA):c.5271G>T (p.Leu1757=)

Gene: FLNA (filamin A; minus strand). Cytogenetic location: Xq28.
Variant type: single nucleotide variant.
Coding change: c.5271G>T on transcript NM_001110556.2 (MANE Select); coding-DNA position 5271, G replaced by T.
Protein change: p.Leu1757=; no amino-acid change (leucine 1757 retained).
Molecular consequence: synonymous variant.
Genome position (GRCh38, 1-based): chrX:154,354,658, C>A on the plus strand (G>T on the coding strand, the complement: FLNA is on the minus strand). VCF-style: chrX-154354658-C-A. GRCh37 (hg19) VCF-style: chrX-153583026-C-A.
Other names: c.5247G>T, p.Leu1749= (NM_001456.4).
Identifiers: ClinVar variation 3344265 (VCV003344265.1).
Genomic context (GRCh38, chrX:154,354,658, plus strand): 5'-TAGCTGGCCAGGCCGTACCCAAGTCTGCTGGCCGCCCTGGGCGTAGGTGTACTGTGGGGC[C>A]AGCTGCTGAGACCGTAGAGGGGGCTGCACCGAGGGCTGGTCCCCAGCCAGAGCCTGCAGG-3'
Protein context (NP_001104026.1, residues 1747-1767): SVQPPLRSQQ[Leu1757=]APQYTYAQGG

ClinVar aggregate classification (germline): Likely benign (0 of 4 stars; one submission).

Conditions:
FLNA-related disorder.

Submission:

PreventionGenetics, part of Exact Sciences
Classification: Likely benign for FLNA-related condition. Last evaluated: 2024-06-05. Review status: no assertion criteria provided. Collection method: clinical testing. Allele origin: germline.
Comment: This variant is classified as likely benign based on ACMG/AMP sequence variant interpretation guidelines (Richards et al. 2015 PMID: 25741868, with internal and published modifications).